The following is an entry in ClinVar:

ClinVar aggregate classification (germline): Uncertain significance (1 of 4 stars; one submission).

gnomAD v4.1: 4 of 1,613,302 alleles (0.00025%); highest among the groups gnomAD compares: Admixed American, 0.0017%; no homozygotes.

Submission:

Labcorp Genetics (formerly Invitae), Labcorp
Classification: Uncertain significance. Last evaluated: 2024-07-11. Review status: criteria provided, single submitter. Criteria: Invitae Variant Classification Sherloc (09022015). Collection method: clinical testing. Allele origin: germline.
Comment: This sequence change replaces alanine, which is neutral and non-polar, with valine, which is neutral and non-polar, at codon 692 of the SETD5 protein (p.Ala692Val). This variant is present in population databases (rs781291390, gnomAD 0.0009%). This variant has not been reported in the literature in individuals affected with SETD5-related conditions. Advanced modeling of protein sequence and biophysical properties (such as structural, functional, and spatial information, amino acid conservation, physicochemical variation, residue mobility, and thermodynamic stability) performed at Invitae indicates that this missense variant is not expected to disrupt SETD5 protein function with a negative predictive value of 80%. In summary, the available evidence is currently insufficient to determine the role of this variant in disease. Therefore, it has been classified as a Variant of Uncertain Significance.

NM_001080517.3(SETD5):c.2075C>T (p.Ala692Val)

Gene: SETD5 (SET domain containing 5; plus strand). Cytogenetic location: 3p25.3.
Variant type: single nucleotide variant.
Coding change: c.2075C>T on transcript NM_001080517.3 (MANE Select); coding-DNA position 2075, C replaced by T.
Protein change: p.Ala692Val; replaces alanine 692 with valine.
Molecular consequence: missense variant.
Genome position (GRCh38, 1-based): chr3:9,447,978, C>T. VCF-style: chr3-9447978-C-T. GRCh37 (hg19) VCF-style: chr3-9489662-C-T.
Other names: c.1781C>T, p.Ala594Val (NM_001292043.2, NM_001349451.2); short protein forms A594V, A692V.
Identifiers: ClinVar variation 3696206 (VCV003696206.2).